The following is an entry in ClinVar:

ClinVar aggregate classification (germline): Likely benign (1 of 4 stars; one submission).

Conditions:
SLCO1B3-related disorder. Also called: SLCO1B3-related condition.

gnomAD v4.1: 2 of 1,564,938 alleles (0.00013%); highest among the groups gnomAD compares: Admixed American, 0.0035%; no homozygotes.

Submission:

PreventionGenetics, part of Exact Sciences
Classification: Likely benign for SLCO1B3-related condition. Last evaluated: 2026-06-24. Review status: criteria provided, single submitter. Criteria: ACMG Guidelines, 2015. Collection method: clinical testing. Allele origin: germline.
Comment: This variant is classified as likely benign based on ACMG/AMP sequence variant interpretation guidelines (Richards et al. 2015 PMID: 25741868, with internal and published modifications).

NM_019844.4(SLCO1B3):c.1332-7T>C

Genes: SLCO1B3 (solute carrier organic anion transporter family member 1B3; plus strand), SLCO1B3-SLCO1B7 (SLCO1B3-SLCO1B7 readthrough; plus strand). Cytogenetic location: 12p12.2.
Variant type: single nucleotide variant.
Coding change: c.1332-7T>C on transcript NM_019844.4 (MANE Select); 7 bases into the intron before coding-DNA position 1332, T replaced by C.
Molecular consequence: intron variant.
Genome position (GRCh38, 1-based): chr12:20,880,848, T>C. VCF-style: chr12-20880848-T-C. GRCh37 (hg19) VCF-style: chr12-21033782-T-C.
Other names: c.1248-7T>C (NM_001349920.2); c.1332-7T>C (NM_001371097.1).
Identifiers: ClinVar variation 4997810 (VCV004997810.1).
Genomic context (GRCh38, chr12:20,880,848, plus strand): 5'-CCCTCTTCTGCTCTTTCTCTACTTCCTCTTTCTCTTTTTTTGATATATTTCTATCATATA[T>C]TTTCAGAAATAATTCAGTGGCATCTCATGTAGATGTACCACTTTCTTATTGCAACTCAGA-3'